The following is an entry in ClinVar:

NM_018100.4(EFHC1):c.19C>G (p.His7Asp)

Gene: EFHC1 (EF-hand domain containing 1; plus strand). Cytogenetic location: 6p12.2.
Variant type: single nucleotide variant.
Coding change: c.19C>G on transcript NM_018100.4 (MANE Select); coding-DNA position 19, C replaced by G.
Protein change: p.His7Asp; replaces histidine 7 with aspartic acid.
Molecular consequence: missense variant. On other transcripts: non-coding transcript variant (1).
Genome position (GRCh38, 1-based): chr6:52,420,429, C>G. VCF-style: chr6-52420429-C-G. GRCh37 (hg19) VCF-style: chr6-52285227-C-G.
Other names: p.H7D:CAT>GAT; short protein forms H7D.
Identifiers: ClinVar variation 205411 (VCV000205411.2), dbSNP rs796052419, ClinGen allele CA314456.

ClinVar aggregate classification (germline): Uncertain significance (1 of 4 stars; one submission).

Allele frequency attached by ClinVar (database versions not stated): gnomAD exomes below 0.00001; TOPMed 0.00001; gnomAD 0.00002.
gnomAD v4.1: 8 of 1,614,136 alleles (0.0005%); highest among the groups gnomAD compares: Non-Finnish European, 0.00068%; no homozygotes.

Submission:

GeneDx
Classification: Uncertain significance. Last evaluated: 2014-01-09. Review status: criteria provided, single submitter. Criteria: GeneDx Variant Classification (06012015). Collection method: clinical testing. Allele origin: germline. Affected: yes.
Comment: The H7D missense change has not been published as a mutation, nor has it been reported as a benign polymorphism to our knowledge. It was not observed in approximately 6,500 individuals of European and African American ancestry in the NHLBI Exome Sequencing Project, indicating it is not a common benign variant in these populations. This variant is a non-conservative amino acid substitution of a positively charged Histidine residue with a negatively charged Aspartic acid residue at a position that is is conserved throughmammalian species in the EFHC1 protein. However, in silico analysis predicts this variant likely has a benign effect on the protein structure/function. The variant is found in EPILEPSY panel(s).